The following is an entry in ClinVar:

ClinVar aggregate classification (germline): Uncertain significance (1 of 4 stars; one submission).

Submission:

Labcorp Genetics (formerly Invitae), Labcorp
Classification: Uncertain significance. Last evaluated: 2025-09-29. Review status: criteria provided, single submitter. Criteria: Invitae Variant Classification Sherloc (09022015). Collection method: clinical testing. Allele origin: germline.
Comment: This sequence change replaces tyrosine, which is neutral and polar, with phenylalanine, which is neutral and non-polar, at codon 203 of the KSR2 protein (p.Tyr203Phe). This variant is not present in population databases (gnomAD no frequency). This variant has not been reported in the literature in individuals affected with KSR2-related conditions. An algorithm developed to predict the effect of missense changes on protein structure and function (PolyPhen-2) suggests that this variant is likely to be tolerated. In summary, the available evidence is currently insufficient to determine the role of this variant in disease. Therefore, it has been classified as a Variant of Uncertain Significance.

NM_173598.6(KSR2):c.695A>T (p.Tyr232Phe)

Gene: KSR2 (kinase suppressor of ras 2; minus strand). Cytogenetic location: 12q24.23.
Variant type: single nucleotide variant.
Coding change: c.695A>T on transcript NM_173598.6 (MANE Select); coding-DNA position 695, A replaced by T.
Protein change: p.Tyr232Phe; replaces tyrosine 232 with phenylalanine.
Molecular consequence: missense variant.
Genome position (GRCh38, 1-based): chr12:117,761,302, T>A on the plus strand (A>T on the coding strand, the complement: KSR2 is on the minus strand). VCF-style: chr12-117761302-T-A. GRCh37 (hg19) VCF-style: chr12-118199107-T-A.
Other names: short protein forms Y232F.
Identifiers: ClinVar variation 4708837 (VCV004708837.1).